The following is an entry in ClinVar:

NM_000719.7(CACNA1C):c.169G>A (p.Asp57Asn)

Gene: CACNA1C (calcium voltage-gated channel subunit alpha1 C; plus strand). Cytogenetic location: 12p13.33.
Variant type: single nucleotide variant.
Coding change: c.169G>A on transcript NM_000719.7 (MANE Select); coding-DNA position 169, G replaced by A.
Protein change: p.Asp57Asn; replaces aspartic acid 57 with asparagine.
Molecular consequence: missense variant.
Genome position (GRCh38, 1-based): chr12:2,115,343, G>A. VCF-style: chr12-2115343-G-A. GRCh37 (hg19) VCF-style: chr12-2224509-G-A.
Other names: c.169G>A, p.Asp57Asn (NM_001129827.2, NM_001129829.2, NM_001129830.3 and 19 more transcripts); c.169G>A (NM_000719.6); short protein forms D57N.
Identifiers: ClinVar variation 191029 (VCV000191029.13), dbSNP rs773528195, ClinGen allele CA235852.

ClinVar aggregate classification (germline): Conflicting classifications of pathogenicity. Review status: criteria provided, conflicting classifications (1 of 4 stars). 4 submissions from 4 submitters: Likely pathogenic (1); Uncertain significance (2); Likely benign (1). Last evaluated 2024-04-17.

Conditions:
Long QT syndrome (LQTS). Identifiers: MedGen C0023976, MeSH D008133, MONDO:0002442. Disease mechanism: loss of function. Inheritance: Various modes of inheritance.
Cardiovascular phenotype. Identifiers: MedGen CN230736.

Allele frequency attached by ClinVar (database versions not stated): TOPMed below 0.00001; gnomAD exomes 0.00001; ExAC 0.00002.
gnomAD v4.1: 5 of 1,587,382 alleles (0.00031%); highest among the groups gnomAD compares: South Asian, 0.0023%; no homozygotes.

Submissions (4):

Labcorp Genetics (formerly Invitae), Labcorp
Classification: Likely benign for Long QT syndrome. Last evaluated: 2024-04-17. Review status: criteria provided, single submitter. Criteria: Invitae Variant Classification Sherloc (09022015). Collection method: clinical testing. Allele origin: germline.

Revvity Omics, Revvity
Classification: Uncertain significance. Last evaluated: 2023-09-25. Review status: criteria provided, single submitter. Criteria: ACMG Guidelines, 2015. Collection method: clinical testing. Allele origin: germline.

Ambry Genetics
Classification: Uncertain significance for Cardiovascular phenotype. Last evaluated: 2022-11-03. Review status: criteria provided, single submitter. Criteria: Ambry Variant Classification Scheme 2023. Collection method: clinical testing. Allele origin: germline.
Comment: The p.D57N variant (also known as c.169G>A), located in coding exon 2 of the CACNA1C gene, results from a G to A substitution at nucleotide position 169. The aspartic acid at codon 57 is replaced by asparagine, an amino acid with highly similar properties. This amino acid position is highly conserved in available vertebrate species. In addition, the in silico prediction for this alteration is inconclusive. Since supporting evidence is limited at this time, the clinical significance of this alteration remains unclear.

Genomic Medicine Center of Excellence, King Faisal Specialist Hospital and Research Centre
Classification: Likely pathogenic. Review status: criteria provided, single submitter. Criteria: ACMG Guidelines, 2015. Collection method: research. Allele origin: germline. Affected: yes.